The following is an entry in ClinVar:

ClinVar aggregate classification (germline): Uncertain significance (1 of 4 stars; one submission).

Conditions:
Epidermolysis bullosa simplex 3, localized or generalized intermediate, with BP230 deficiency (EBS3). Also called: Epidermolysis bullosa simplex due to BP230 deficiency; Epidermolysis bullosa simplex, autosomal recessive 2. Identifiers: Orphanet 412181, MedGen C3809470, MONDO:0014180, OMIM 615425.
Hereditary sensory and autonomic neuropathy type 6. Also called: Neuropathy, hereditary sensory and autonomic, type VI; HSAN VI. Identifiers: Orphanet 314381, MedGen C3539003, MONDO:0013839, OMIM 614653.

Allele frequency attached by ClinVar (database versions not stated): gnomAD exomes below 0.00001; TOPMed 0.00001.
gnomAD v4.1: 1 of 1,613,406 alleles (0.000062%); highest among the groups gnomAD compares: Non-Finnish European, 0.000085%; no homozygotes.

Submission:

Labcorp Genetics (formerly Invitae), Labcorp
Classification: Uncertain significance for Epidermolysis bullosa simplex 3, localized or generalized intermediate, with BP230 deficiency; Hereditary sensory and autonomic neuropathy type 6. Last evaluated: 2022-01-19. Review status: criteria provided, single submitter. Criteria: Invitae Variant Classification Sherloc (09022015). Collection method: clinical testing. Allele origin: germline.
Comment: This variant is present in population databases (no rsID available, gnomAD 0.0009%). In summary, the available evidence is currently insufficient to determine the role of this variant in disease. Therefore, it has been classified as a Variant of Uncertain Significance. Algorithms developed to predict the effect of missense changes on protein structure and function output the following: SIFT: "Deleterious"; PolyPhen-2: "Benign"; Align-GVGD: "Class C15". The glycine amino acid residue is found in multiple mammalian species, which suggests that this missense change does not adversely affect protein function. ClinVar contains an entry for this variant (Variation ID: 646097). This variant has not been reported in the literature in individuals affected with DST-related conditions. This sequence change replaces aspartic acid, which is acidic and polar, with glycine, which is neutral and non-polar, at codon 2024 of the DST protein (p.Asp2024Gly).

NM_001723.7(DST):c.6071A>G (p.Asp2024Gly)

Gene: DST (dystonin; minus strand). Cytogenetic location: 6p12.1.
Variant type: single nucleotide variant.
Coding change: c.6071A>G on transcript NM_001723.7 (MANE Plus Clinical); coding-DNA position 6071, A replaced by G.
Protein change: p.Asp2024Gly; replaces aspartic acid 2024 with glycine.
Molecular consequence: missense variant. On other transcripts: intron variant (10).
Genome position (GRCh38, 1-based): chr6:56,617,396, T>C on the plus strand (A>G on the coding strand, the complement: DST is on the minus strand). VCF-style: chr6-56617396-T-C. GRCh37 (hg19) VCF-style: chr6-56482194-T-C.
Other names: c.4831-2912A>G (NM_001144769.5); c.4930-2912A>G (NM_001374722.1, NM_001374736.1); c.4957-2912A>G (NM_001374734.1); c.4417-2912A>G (NM_001144770.2); c.4297-2912A>G (NM_001374730.1, NM_001386100.1, NM_183380.4 and 1 more transcripts); c.3319-2912A>G (NM_015548.5); short protein forms D2024G.
Identifiers: ClinVar variation 646097 (VCV000646097.9), dbSNP rs1231326059, ClinGen allele CA364565943.
Genomic context (GRCh38, chr6:56,617,396, plus strand): 5'-TCTTCAGCACTGGGAACTGGGTTCTTTTCTTGTTTTAATGTTGTGACTTCTGTATGCATA[T>C]CATACTGCTTGTTCTTAGCTATCTGTAACAGGAATTTATAAAATGTTAAAAGTCACCTCA-3'
Protein context (NP_001714.1, residues 2014-2034): PLEIAKNKQY[Asp2024Gly]MHTEVTTLKQ